The following is an entry in ClinVar:

ClinVar aggregate classification (germline): Uncertain significance (1 of 4 stars; one submission).

Allele frequency attached by ClinVar (database versions not stated): TOPMed below 0.00001; gnomAD exomes 0.00001.
gnomAD v4.1: 3 of 1,210,819 alleles (0.00025%); highest among the groups gnomAD compares: Non-Finnish European, 0.00034%; no homozygotes.

Submission:

Labcorp Genetics (formerly Invitae), Labcorp
Classification: Uncertain significance. Last evaluated: 2023-12-07. Review status: criteria provided, single submitter. Criteria: Invitae Variant Classification Sherloc (09022015). Collection method: clinical testing. Allele origin: germline.
Comment: This sequence change replaces histidine, which is basic and polar, with tyrosine, which is neutral and polar, at codon 457 of the CFP protein (p.His457Tyr). This variant is present in population databases (no rsID available, gnomAD 0.002%). This variant has not been reported in the literature in individuals affected with CFP-related conditions. ClinVar contains an entry for this variant (Variation ID: 1716976). An algorithm developed to predict the effect of missense changes on protein structure and function (PolyPhen-2) suggests that this variant is likely to be disruptive. In summary, the available evidence is currently insufficient to determine the role of this variant in disease. Therefore, it has been classified as a Variant of Uncertain Significance.

NM_001145252.3(CFP):c.1369C>T (p.His457Tyr)

Gene: CFP (complement factor properdin; minus strand). Cytogenetic location: Xp11.23.
Variant type: single nucleotide variant.
Coding change: c.1369C>T on transcript NM_001145252.3 (MANE Select); coding-DNA position 1369, C replaced by T.
Protein change: p.His457Tyr; replaces histidine 457 with tyrosine.
Molecular consequence: missense variant.
Genome position (GRCh38, 1-based): chrX:47,624,316, G>A on the plus strand (C>T on the coding strand, the complement: CFP is on the minus strand). VCF-style: chrX-47624316-G-A. GRCh37 (hg19) VCF-style: chrX-47483715-G-A.
Other names: c.1369C>T, p.His457Tyr (NM_002621.2); short protein forms H457Y.
Identifiers: ClinVar variation 1716976 (VCV001716976.5), dbSNP rs1367480015, ClinGen allele CA412834208.